The following is an entry in ClinVar:

ClinVar aggregate classification (germline): Uncertain significance (1 of 4 stars; one submission).

Submission:

Labcorp Genetics (formerly Invitae), Labcorp
Classification: Uncertain significance. Last evaluated: 2022-04-21. Review status: criteria provided, single submitter. Criteria: Invitae Variant Classification Sherloc (09022015). Collection method: clinical testing. Allele origin: germline.
Comment: This sequence change replaces methionine, which is neutral and non-polar, with threonine, which is neutral and polar, at codon 114 of the PPA2 protein (p.Met114Thr). In summary, the available evidence is currently insufficient to determine the role of this variant in disease. Therefore, it has been classified as a Variant of Uncertain Significance. Algorithms developed to predict the effect of missense changes on protein structure and function are either unavailable or do not agree on the potential impact of this missense change (SIFT: "Deleterious"; PolyPhen-2: "Benign"; Align-GVGD: "Class C25"). This variant has not been reported in the literature in individuals affected with PPA2-related conditions. This variant is not present in population databases (gnomAD no frequency).

NM_176869.3(PPA2):c.341T>C (p.Met114Thr)

Gene: PPA2 (inorganic pyrophosphatase 2; minus strand). Cytogenetic location: 4q24.
Variant type: single nucleotide variant.
Coding change: c.341T>C on transcript NM_176869.3 (MANE Select); coding-DNA position 341, T replaced by C.
Protein change: p.Met114Thr; replaces methionine 114 with threonine.
Molecular consequence: missense variant. On other transcripts: intron variant (2).
Genome position (GRCh38, 1-based): chr4:105,446,483, A>G on the plus strand (T>C on the coding strand, the complement: PPA2 is on the minus strand). VCF-style: chr4-105446483-A-G. GRCh37 (hg19) VCF-style: chr4-106367640-A-G.
Other names: c.341T>C, p.Met114Thr (NM_006903.4); c.157+27411T>C (NM_176867.3); c.222+10198T>C (NM_176866.2); short protein forms M114T.
Identifiers: ClinVar variation 2128777 (VCV002128777.4), dbSNP rs2477239310, ClinGen allele CA357802784.